The following is an entry in ClinVar:

ClinVar aggregate classification (germline): Uncertain significance. Review status: criteria provided, multiple submitters, no conflicts (2 of 4 stars). 2 submissions from 2 submitters: Uncertain significance (2). Last evaluated 2025-01-08.

Allele frequency attached by ClinVar (database versions not stated): TOPMed below 0.00001; ExAC 0.00001; gnomAD exomes 0.00001 and 0.00004; gnomAD 0.00002.
gnomAD v4.1: 55 of 1,613,866 alleles (0.0034%); highest among the groups gnomAD compares: Non-Finnish European, 0.0042%; no homozygotes.

Submissions (2):

Ambry Genetics
Classification: Uncertain significance. Last evaluated: 2025-01-08. Review status: criteria provided, single submitter. Criteria: Ambry Variant Classification Scheme 2023. Collection method: clinical testing. Allele origin: germline.

Labcorp Genetics (formerly Invitae), Labcorp
Classification: Uncertain significance. Last evaluated: 2022-08-16. Review status: criteria provided, single submitter. Criteria: Invitae Variant Classification Sherloc (09022015). Collection method: clinical testing. Allele origin: germline.
Comment: This sequence change replaces proline, which is neutral and non-polar, with leucine, which is neutral and non-polar, at codon 32 of the UQCRC2 protein (p.Pro32Leu). This variant is present in population databases (rs755080798, gnomAD 0.003%). This variant has not been reported in the literature in individuals affected with UQCRC2-related conditions. ClinVar contains an entry for this variant (Variation ID: 1508789). Algorithms developed to predict the effect of missense changes on protein structure and function output the following: SIFT: "Tolerated"; PolyPhen-2: "Benign"; Align-GVGD: "Class C0". The leucine amino acid residue is found in multiple mammalian species, which suggests that this missense change does not adversely affect protein function. In summary, the available evidence is currently insufficient to determine the role of this variant in disease. Therefore, it has been classified as a Variant of Uncertain Significance.

NM_003366.4(UQCRC2):c.95C>T (p.Pro32Leu)

Gene: UQCRC2 (ubiquinol-cytochrome c reductase core protein 2). Cytogenetic location: 16p12.2.
Variant type: single nucleotide variant.
Coding change: c.95C>T on transcript NM_003366.4 (MANE Select); coding-DNA position 95, C replaced by T.
Protein change: p.Pro32Leu; replaces proline 32 with leucine.
Molecular consequence: missense variant.
Genome position (GRCh38, 1-based): chr16:21,957,296, C>T. VCF-style: chr16-21957296-C-T. GRCh37 (hg19) VCF-style: chr16-21968617-C-T.
Other names: c.95C>T (NM_003366.2); short protein forms P32L.
Identifiers: ClinVar variation 1508789 (VCV001508789.4), dbSNP rs755080798, ClinGen allele CA7953625.